The following is an entry in ClinVar:

ClinVar aggregate classification (germline): Benign. Review status: criteria provided, multiple submitters, no conflicts (2 of 4 stars). 10 submissions from 8 submitters: Benign (10). Last evaluated 2026-02-04.

Conditions:
Bardet-Biedl syndrome 16 (BBS16). Identifiers: Orphanet 110, MedGen C3889474, MONDO:0014444, OMIM 615993.
Kidney disorder. Also called: Kidney disease; Kidney Diseases; renal disorder; Nephropathy; renal disease. Identifiers: MedGen C0022658, MONDO:0005240, HP:0000112.
Senior-Loken syndrome 7 (SLSN7). Identifiers: Orphanet 3156, MedGen C3150877, MONDO:0013326, OMIM 613615.

Allele frequency attached by ClinVar (database versions not stated): 1000 Genomes Project 0.01018; 1000 Genomes Project 30x 0.01140; ExAC 0.01974; gnomAD exomes 0.02014 and 0.02767; gnomAD 0.02026 and 0.02103; TOPMed 0.02167; ESP Exome Variant Server 0.02176.
gnomAD v4.1: 43,340 of 1,614,026 alleles (2.7%); highest among the groups gnomAD compares: Non-Finnish European, 3.2%; 693 homozygotes.

Submissions (10):

Labcorp Genetics (formerly Invitae), Labcorp
Classification: Benign for Bardet-Biedl syndrome 16; Senior-Loken syndrome 7. Last evaluated: 2026-02-04. Review status: criteria provided, single submitter. Criteria: Invitae Variant Classification Sherloc (09022015). Collection method: clinical testing. Allele origin: germline.

Blueprint Genetics
Classification: Benign. Last evaluated: 2024-11-26. Review status: criteria provided, single submitter. Criteria: ACMG Guidelines, 2015. Collection method: clinical testing. Allele origin: germline.

Mayo Clinic Laboratories, Mayo Clinic
Classification: Benign. Last evaluated: 2023-02-01. Review status: criteria provided, single submitter. Criteria: ACMG Guidelines, 2015. Collection method: clinical testing. Allele origin: germline. Observed: 12 variant alleles.
Comment: BS1, BS2, BP4, BP7

Genome-Nilou Lab
Classification: Benign for Bardet-Biedl syndrome 16. Last evaluated: 2021-07-15. Review status: criteria provided, single submitter. Criteria: ACMG Guidelines, 2015. Collection method: clinical testing. Allele origin: germline. Affected: no.

Genome-Nilou Lab
Classification: Benign for Senior-Loken syndrome 7. Last evaluated: 2021-07-15. Review status: criteria provided, single submitter. Criteria: ACMG Guidelines, 2015. Collection method: clinical testing. Allele origin: germline. Affected: no.

Genome Diagnostics Laboratory, The Hospital for Sick Children
Classification: Benign for Kidney disorder. Last evaluated: 2018-02-01. Review status: criteria provided, single submitter. Criteria: ACMG Guidelines, 2015. Collection method: clinical testing. Allele origin: germline.

Illumina Laboratory Services, Illumina
Classification: Benign for Senior-Loken syndrome 7. Last evaluated: 2018-01-12. Review status: criteria provided, single submitter. Criteria: ICSL Variant Classification Criteria 13 December 2019. Collection method: clinical testing. Allele origin: germline.
Comment: This variant was observed in the ICSL laboratory as part of a predisposition screen in an ostensibly healthy population. It had not been previously curated by ICSL or reported in the Human Gene Mutation Database (HGMD: prior to June 1st, 2018), and was therefore a candidate for classification through an automated scoring system. Utilizing variant allele frequency, disease prevalence and penetrance estimates, and inheritance mode, an automated score was calculated to assess if this variant is too frequent to cause the disease. Based on the score and internal cut-off values, a variant classified as benign is not then subjected to further curation. The score for this variant resulted in a classification of benign for this disease.

Illumina Laboratory Services, Illumina
Classification: Benign for Bardet-Biedl syndrome 16. Last evaluated: 2018-01-12. Review status: criteria provided, single submitter. Criteria: ICSL Variant Classification Criteria 13 December 2019. Collection method: clinical testing. Allele origin: germline.
Comment: the same text as in the submission from Illumina Laboratory Services, Illumina above.

Breakthrough Genomics
Classification: Benign. Review status: criteria provided, single submitter. Criteria: ACMG Guidelines, 2015. Collection method: not provided. Allele origin: germline. Inheritance: Autosomal recessive inheritance. Affected: yes.

PreventionGenetics, part of Exact Sciences
Classification: Benign. Review status: criteria provided, single submitter. Criteria: ACMG Guidelines, 2015. Collection method: clinical testing. Allele origin: germline.

NM_006642.5(SDCCAG8):c.912C>T (p.Thr304=)

Gene: SDCCAG8 (SHH signaling and ciliogenesis regulator SDCCAG8; plus strand). Cytogenetic location: 1q43.
Variant type: single nucleotide variant.
Coding change: c.912C>T on transcript NM_006642.5 (MANE Select); coding-DNA position 912, C replaced by T.
Protein change: p.Thr304=; no amino-acid change (threonine 304 retained).
Molecular consequence: synonymous variant.
Genome position (GRCh38, 1-based): chr1:243,308,160, C>T. VCF-style: chr1-243308160-C-T. GRCh37 (hg19) VCF-style: chr1-243471462-C-T.
Other names: p.Thr304=; c.9C>T, p.Thr3= (NM_001350246.2, NM_001350247.2, NM_001350251.2); c.1008C>T, p.Thr336= (NM_001350248.2); c.618C>T, p.Thr206= (NM_001350249.2).
Identifiers: ClinVar variation 260013 (VCV000260013.23), dbSNP rs976529, ClinGen allele CA1483467.